The following is an entry in ClinVar:

ClinVar aggregate classification (germline): Uncertain significance (1 of 4 stars; one submission).

Submission:

GeneDx
Classification: Uncertain significance. Last evaluated: 2019-04-22. Review status: criteria provided, single submitter. Criteria: GeneDx Variant Classification Process June 2021. Collection method: clinical testing. Allele origin: germline. Affected: yes.
Comment: Not observed in large population cohorts (Lek et al., 2016); Missense variant in a gene in which most reported pathogenic variants are truncating/loss-of-function; Has not been previously published as pathogenic or benign to our knowledge; In silico analysis, which includes splice predictors and evolutionary conservation, supports that this variant does not alter protein structure/function

NM_001267550.2(TTN):c.103933G>C (p.Asp34645His)

Genes: TTN (titin; minus strand), TTN-AS1 (TTN antisense RNA 1; plus strand). Cytogenetic location: 2q31.2.
Variant type: single nucleotide variant.
Coding change: c.103933G>C on transcript NM_001267550.2 (MANE Select); coding-DNA position 103933, G replaced by C.
Protein change: p.Asp34645His; replaces aspartic acid 34645 with histidine.
Molecular consequence: missense variant.
Genome position (GRCh38, 1-based): chr2:178,532,682, C>G on the plus strand (G>C on the coding strand, the complement: TTN is on the minus strand). VCF-style: chr2-178532682-C-G. GRCh37 (hg19) VCF-style: chr2-179397409-C-G.
Other names: c.99010G>C, p.Asp33004His (NM_001256850.1); c.76738G>C, p.Asp25580His (NM_003319.4); c.96229G>C, p.Asp32077His (NM_133378.4); c.77113G>C, p.Asp25705His (NM_133432.3); c.77314G>C, p.Asp25772His (NM_133437.4); short protein forms D25580H, D25705H, D25772H, D32077H, D33004H, D34645H.
Identifiers: ClinVar variation 1305412 (VCV001305412.2), dbSNP rs2154134509, ClinGen allele CA349412909.
Genomic context (GRCh38, chr2:178,532,682, plus strand): 5'-GGAGTAATTCTTCATCAGAGATGTCCCCAAGAGAACGTCTTCTAGGTCGGTAGTAAAAGT[C>G]ATAATCAGGAGAAGGTGTACGCCGGCGGGCTGGTCTCACTATCTCAAGATCATCTTGGGA-3'
Protein context (NP_001254479.2, residues 34635-34655): ARRRTPSPDY[Asp34645His]FYYRPRRRSL